The following is an entry in ClinVar:

ClinVar aggregate classification (germline): Pathogenic/Likely pathogenic. Review status: criteria provided, multiple submitters, no conflicts (2 of 4 stars). 2 submissions from 2 submitters: Pathogenic (1); Likely pathogenic (1). Last evaluated 2026-06-25.

Conditions:
Fetal anomalies with a likely genetic cause.

Allele frequency attached by ClinVar (database versions not stated): ExAC 0.00002; gnomAD 0.00002; TOPMed 0.00002; ESP Exome Variant Server 0.00015; gnomAD exomes below 0.00001.
gnomAD v4.1: 4 of 1,611,828 alleles (0.00025%); highest among the groups gnomAD compares: African/African-American, 0.004%; no homozygotes.

Submissions (2):

Genetics Laboratory, Great Ormond Street Hospital NHS Foundation Trust, North Thames Genomic Laboratory Hub
Classification: Pathogenic for Fetal anomalies with a likely genetic cause. Last evaluated: 2026-06-25. Review status: criteria provided, single submitter. Criteria: ACGS Best Practice Guidelines for Variant Classification in Rare Disease 2024 v1.2. Collection method: clinical testing. Allele origin: germline. Affected: yes.
Comment: PM2_moderate, PVS1_very-strong

Labcorp Genetics (formerly Invitae), Labcorp
Classification: Likely pathogenic. Last evaluated: 2023-12-20. Review status: criteria provided, single submitter. Criteria: Invitae Variant Classification Sherloc (09022015). Collection method: clinical testing. Allele origin: germline.
Comment: This sequence change affects an acceptor splice site in intron 17 of the TTC37 gene. It is expected to disrupt RNA splicing. Variants that disrupt the donor or acceptor splice site typically lead to a loss of protein function (PMID: 16199547), and loss-of-function variants in TTC37 are known to be pathogenic (PMID: 20176027, 21120949). This variant is present in population databases (rs371873101, gnomAD 0.007%). This variant has not been reported in the literature in individuals affected with TTC37-related conditions. Algorithms developed to predict the effect of sequence changes on RNA splicing suggest that this variant may disrupt the consensus splice site. In summary, the currently available evidence indicates that the variant is pathogenic, but additional data are needed to prove that conclusively. Therefore, this variant has been classified as Likely Pathogenic.

Literature cited by the submitters: PubMed 16199547 (cited by Labcorp Genetics (formerly Invitae), Labcorp); PubMed 20176027 (cited by Labcorp Genetics (formerly Invitae), Labcorp); PubMed 21120949 (cited by Labcorp Genetics (formerly Invitae), Labcorp).

NM_014639.4(SKIC3):c.1633-2A>G

Gene: SKIC3 (SKI3 subunit of superkiller complex; minus strand). Cytogenetic location: 5q15.
Variant type: single nucleotide variant.
Coding change: c.1633-2A>G on transcript NM_014639.4 (MANE Select); the canonical splice acceptor site of the intron before coding-DNA position 1633, A replaced by G.
Molecular consequence: splice acceptor variant.
Genome position (GRCh38, 1-based): chr5:95,523,328, T>C on the plus strand (A>G on the coding strand, the complement: SKIC3 is on the minus strand). VCF-style: chr5-95523328-T-C. GRCh37 (hg19) VCF-style: chr5-94859032-T-C.
Identifiers: ClinVar variation 2804628 (VCV002804628.4), dbSNP rs371873101, ClinGen allele CA3347282.